The following is an entry in ClinVar:

ClinVar aggregate classification (germline): Uncertain significance. Review status: criteria provided, multiple submitters, no conflicts (2 of 4 stars). 4 submissions from 4 submitters: Uncertain significance (3). 1 of the submissions does not count toward it. Last evaluated 2025-07-14.

Conditions:
Behcet disease (BD). Also called: Behcet's syndrome; Behcet Syndrome. Identifiers: Orphanet 117, MedGen C0004943, MONDO:0007191, OMIM 109650, MeSH D001528.
Pyogenic arthritis-pyoderma gangrenosum-acne syndrome (PAPA). Also called: PAPA SYNDROME; FAMILIAL RECURRENT ARTHRITIS. Identifiers: Orphanet 69126, MedGen C1858361, MONDO:0011462, OMIM 604416.
Autoinflammatory syndrome. Identifiers: Orphanet 93665, MedGen C3890737, MONDO:0019751.

Allele frequency attached by ClinVar (database versions not stated): gnomAD exomes below 0.00001 and 0.00001; TOPMed 0.00002.
gnomAD v4.1: 6 of 1,567,566 alleles (0.00038%); highest among the groups gnomAD compares: East Asian, 0.0024%; no homozygotes.

Submissions (4):

Labcorp Genetics (formerly Invitae), Labcorp
Classification: Uncertain significance for Pyogenic arthritis-pyoderma gangrenosum-acne syndrome. Last evaluated: 2025-07-14. Review status: criteria provided, single submitter. Criteria: Invitae Variant Classification Sherloc (09022015). Collection method: clinical testing. Allele origin: germline.
Comment: This sequence change replaces valine, which is neutral and non-polar, with isoleucine, which is neutral and non-polar, at codon 122 of the PSTPIP1 protein (p.Val122Ile). The frequency data for this variant in the population databases is considered unreliable, as metrics indicate poor data quality at this position in the gnomAD database. This variant has not been reported in the literature in individuals affected with PSTPIP1-related conditions. ClinVar contains an entry for this variant (Variation ID: 280941). Invitae Evidence Modeling of protein sequence and biophysical properties (such as structural, functional, and spatial information, amino acid conservation, physicochemical variation, residue mobility, and thermodynamic stability) indicates that this missense variant is not expected to disrupt PSTPIP1 protein function with a negative predictive value of 80%. In summary, the available evidence is currently insufficient to determine the role of this variant in disease. Therefore, it has been classified as a Variant of Uncertain Significance.

Illumina Laboratory Services, Illumina
Classification: Uncertain significance for Pyogenic arthritis-pyoderma gangrenosum-acne syndrome. Last evaluated: 2018-01-13. Review status: criteria provided, single submitter. Criteria: ICSL Variant Classification Criteria 13 December 2019. Collection method: clinical testing. Allele origin: germline.

Genome Diagnostics Laboratory, The Hospital for Sick Children
Classification: Uncertain significance for Autoinflammatory syndrome. Last evaluated: 2016-12-12. Review status: criteria provided, single submitter. Criteria: ACMG Guidelines, 2015. Collection method: clinical testing. Allele origin: germline. Affected: yes.

Department of Immunology, Hospital Universitario Virgen del Rocio
Classification: Pathogenic for Behcet disease. Last evaluated: 2016-11-23. Review status: no assertion criteria provided. Collection method: case-control. Allele origin: germline. Affected: yes. Observed: 1 variant allele, 1 heterozygote. Not counted in ClinVar's aggregate classification.

NM_003978.5(PSTPIP1):c.364G>A (p.Val122Ile)

Gene: PSTPIP1 (proline-serine-threonine phosphatase interacting protein 1; plus strand). Cytogenetic location: 15q24.3.
Variant type: single nucleotide variant.
Coding change: c.364G>A on transcript NM_003978.5 (MANE Select); coding-DNA position 364, G replaced by A.
Protein change: p.Val122Ile; replaces valine 122 with isoleucine.
Molecular consequence: missense variant. On other transcripts: non-coding transcript variant (1).
Genome position (GRCh38, 1-based): chr15:77,027,861, G>A. VCF-style: chr15-77027861-G-A. GRCh37 (hg19) VCF-style: chr15-77320202-G-A.
Other names: c.364G>A, p.Val122Ile (NM_001321135.2); c.337G>A, p.Val113Ile (NM_001321136.2); c.559G>A, p.Val187Ile (NM_001321137.1); short protein forms V122I, V187I, V113I.
Identifiers: ClinVar variation 280941 (VCV000280941.13), dbSNP rs886041107, ClinGen allele CA10603743.